The following is an entry in ClinVar:

NM_004284.6(CHD1L):c.347+7A>C

Gene: CHD1L (chromodomain helicase DNA binding protein 1 like; plus strand). Cytogenetic location: 1q21.1.
Variant type: single nucleotide variant.
Coding change: c.347+7A>C on transcript NM_004284.6 (MANE Select); 7 bases into the intron after coding-DNA position 347, A replaced by C.
Molecular consequence: intron variant.
Genome position (GRCh38, 1-based): chr1:147,254,983, A>C. VCF-style: chr1-147254983-A-C. GRCh37 (hg19) VCF-style: chr1-146726638-A-C.
Other names: c.131+7A>C (NM_001348451.2, NM_001348452.2); c.-490+7A>C (NM_001348462.2, NM_001348457.2); c.-334+7A>C (NM_001348460.2, NM_001348461.2); c.-415+7A>C (NM_001348465.2, NM_001348464.2); c.-408+7A>C (NM_001348458.2); c.-111+7A>C (NM_001348455.2); c.8+7A>C (NM_024568.4, NM_001348453.2); c.48-830A>C (NM_001256336.3); and 7 more.
Identifiers: ClinVar variation 4998255 (VCV004998255.1).

ClinVar aggregate classification (germline): Likely benign (1 of 4 stars; one submission).

Conditions:
CHD1L-related disorder. Also called: CHD1L-related condition.

gnomAD v4.1: 4 of 1,550,214 alleles (0.00026%); highest among the groups gnomAD compares: South Asian, 0.0048%; no homozygotes.

Submission:

PreventionGenetics, part of Exact Sciences
Classification: Likely benign for CHD1L-related condition. Last evaluated: 2025-05-31. Review status: criteria provided, single submitter. Criteria: ACMG Guidelines, 2015. Collection method: clinical testing. Allele origin: germline.
Comment: This variant is classified as likely benign based on ACMG/AMP sequence variant interpretation guidelines (Richards et al. 2015 PMID: 25741868, with internal and published modifications).